The following is an entry in ClinVar:

ClinVar aggregate classification (germline): Uncertain significance. Review status: criteria provided, multiple submitters, no conflicts (2 of 4 stars). 2 submissions from 2 submitters: Uncertain significance (2). Last evaluated 2025-11-20.

Conditions:
Infantile spasms. Also called: Infantile spasm. Identifiers: MedGen C3887898, HP:0012469.

gnomAD v4.1: 25 of 1,612,708 alleles (0.0016%); highest among the groups gnomAD compares: Non-Finnish European, 0.002%; no homozygotes.

Submissions (2):

Ambry Genetics
Classification: Uncertain significance. Last evaluated: 2025-11-20. Review status: criteria provided, single submitter. Criteria: Ambry Variant Classification Scheme 2023. Collection method: clinical testing. Allele origin: germline.

Labcorp Genetics (formerly Invitae), Labcorp
Classification: Uncertain significance for Infantile spasms. Last evaluated: 2025-04-08. Review status: criteria provided, single submitter. Criteria: Invitae Variant Classification Sherloc (09022015). Collection method: clinical testing. Allele origin: germline.
Comment: This sequence change replaces aspartic acid, which is acidic and polar, with glutamic acid, which is acidic and polar, at codon 482 of the PIK3AP1 protein (p.Asp482Glu). This variant is present in population databases (no rsID available, gnomAD 0.0009%). This variant has not been reported in the literature in individuals affected with PIK3AP1-related conditions. An algorithm developed to predict the effect of missense changes on protein structure and function (PolyPhen-2) suggests that this variant is likely to be disruptive. In summary, the available evidence is currently insufficient to determine the role of this variant in disease. Therefore, it has been classified as a Variant of Uncertain Significance.

NM_152309.3(PIK3AP1):c.1446C>A (p.Asp482Glu)

Gene: PIK3AP1 (phosphoinositide-3-kinase adaptor protein 1; minus strand). Cytogenetic location: 10q24.1.
Variant type: single nucleotide variant.
Coding change: c.1446C>A on transcript NM_152309.3 (MANE Select); coding-DNA position 1446, C replaced by A.
Protein change: p.Asp482Glu; replaces aspartic acid 482 with glutamic acid.
Molecular consequence: missense variant.
Genome position (GRCh38, 1-based): chr10:96,628,423, G>T on the plus strand (C>A on the coding strand, the complement: PIK3AP1 is on the minus strand). VCF-style: chr10-96628423-G-T. GRCh37 (hg19) VCF-style: chr10-98388180-G-T.
Other names: short protein forms D482E.
Identifiers: ClinVar variation 4567905 (VCV004567905.2).